The following is an entry in ClinVar:

ClinVar aggregate classification (germline): Pathogenic (1 of 4 stars; one submission).

Conditions:
Fanconi anemia (FA). Also called: Fanconi's anemia. Identifiers: Orphanet 84, MedGen C0015625, MeSH D005199, MONDO:0019391.

Submission:

Labcorp Genetics (formerly Invitae), Labcorp
Classification: Pathogenic for Fanconi anemia. Last evaluated: 2023-11-30. Review status: criteria provided, single submitter. Criteria: Invitae Variant Classification Sherloc (09022015). Collection method: clinical testing. Allele origin: unknown.
Comment: This variant is a gross deletion of the genomic region encompassing exon(s) 12-43 of the FANCA gene, which includes the termination codon. This deletion extends beyond the assayed region for this gene and therefore may encompass additional genes. While this deletion is not anticipated to lead to nonsense mediated decay, it is expected to alter mRNA translation or result in a truncated protein product. This variant has not been reported in the literature in individuals affected with FANCA-related conditions. This variant disrupts a region of the FANCA protein in which other variant(s) (p.Asp1427Thrfs*6) have been determined to be pathogenic (PMID: 11091222). This suggests that this is a clinically significant region of the protein, and that variants that disrupt it are likely to be disease-causing. For these reasons, this variant has been classified as Pathogenic.

Literature cited by the submitters: PubMed 11091222.

NC_000016.9:g.(?_89730828)_(89858975_?)del

Genes: VPS9D1 (VPS9 domain containing 1; minus strand), ZNF276 (zinc finger protein 276; plus strand), CDK10 (cyclin dependent kinase 10; plus strand), FANCA (FA complementation group A; minus strand), SPATA2L (spermatogenesis associated 2 like; minus strand) and 1 more. Cytogenetic location: 16q24.3.
Variant type: Deletion.
Identifiers: ClinVar variation 3243247 (VCV003243247.1).